The following is an entry in ClinVar:

NM_014014.5(SNRNP200):c.4678A>G (p.Ile1560Val)

Gene: SNRNP200 (small nuclear ribonucleoprotein U5 subunit 200; minus strand). Cytogenetic location: 2q11.2.
Variant type: single nucleotide variant.
Coding change: c.4678A>G on transcript NM_014014.5 (MANE Select); coding-DNA position 4678, A replaced by G.
Protein change: p.Ile1560Val; replaces isoleucine 1560 with valine.
Molecular consequence: missense variant.
Genome position (GRCh38, 1-based): chr2:96,283,620, T>C on the plus strand (A>G on the coding strand, the complement: SNRNP200 is on the minus strand). VCF-style: chr2-96283620-T-C. GRCh37 (hg19) VCF-style: chr2-96949358-T-C.
Other names: short protein forms I1560V.
Identifiers: ClinVar variation 337540 (VCV000337540.17), dbSNP rs78715863, ClinGen allele CA1778160.

ClinVar aggregate classification (germline): Conflicting classifications of pathogenicity. Review status: criteria provided, conflicting classifications (1 of 4 stars). 5 submissions from 5 submitters: Uncertain significance (3); Likely benign (2). Last evaluated 2025-12-29.

Conditions:
SNRNP200-related disorder. Also called: SNRNP200-related condition.
Inborn genetic diseases. Identifiers: MedGen C0950123, MeSH D030342.
Retinitis pigmentosa (RP). Identifiers: Orphanet 791, MedGen C0035334, MeSH D012174, MONDO:0019200, OMIM 268000. Inheritance: Autosomal dominant, autosomal recessive and X linked inheritance.

Allele frequency attached by ClinVar (database versions not stated): gnomAD exomes 0.00001 and 0.00005; ExAC 0.00008; gnomAD 0.00016 and 0.00018; TOPMed 0.00019; ESP Exome Variant Server 0.00046.
gnomAD v4.1: 48 of 1,613,956 alleles (0.003%); highest among the groups gnomAD compares: African/African-American, 0.043%; no homozygotes.

Submissions (5):

PreventionGenetics, part of Exact Sciences
Classification: Uncertain significance for SNRNP200-related condition. Last evaluated: 2025-12-29. Review status: criteria provided, single submitter. Criteria: ACMG Guidelines, 2015. Collection method: clinical testing. Allele origin: germline.
Comment: The SNRNP200 c.4678A>G variant is predicted to result in the amino acid substitution p.Ile1560Val. To our knowledge, this variant has not been reported in the literature. This variant is reported in 0.044% of alleles in individuals of African descent in gnomAD, which may be too frequent to be a primary cause of disease. Although we suspect that this variant may be benign, at this time, the clinical significance of this variant is uncertain due to the absence of conclusive functional and genetic evidence.

Ambry Genetics
Classification: Uncertain significance for Inborn genetic diseases. Last evaluated: 2025-06-03. Review status: criteria provided, single submitter. Criteria: Ambry Variant Classification Scheme 2023. Collection method: clinical testing. Allele origin: germline.

Labcorp Genetics (formerly Invitae), Labcorp
Classification: Likely benign. Last evaluated: 2025-04-08. Review status: criteria provided, single submitter. Criteria: Invitae Variant Classification Sherloc (09022015). Collection method: clinical testing. Allele origin: germline.

Blueprint Genetics
Classification: Likely benign. Last evaluated: 2021-01-13. Review status: criteria provided, single submitter. Criteria: ACMG Guidelines, 2015. Collection method: clinical testing. Allele origin: germline.

Illumina Laboratory Services, Illumina
Classification: Uncertain significance for Retinitis pigmentosa. Last evaluated: 2018-01-13. Review status: criteria provided, single submitter. Criteria: ICSL Variant Classification Criteria 13 December 2019. Collection method: clinical testing. Allele origin: germline.